The following is an entry in ClinVar:

NM_152703.5(SAMD9L):c.100G>A (p.Gly34Arg)

Gene: SAMD9L (sterile alpha motif domain containing 9 like; minus strand). Cytogenetic location: 7q21.2.
Variant type: single nucleotide variant.
Coding change: c.100G>A on transcript NM_152703.5 (MANE Select); coding-DNA position 100, G replaced by A.
Protein change: p.Gly34Arg; replaces glycine 34 with arginine.
Molecular consequence: missense variant.
Genome position (GRCh38, 1-based): chr7:93,135,872, C>T on the plus strand (G>A on the coding strand, the complement: SAMD9L is on the minus strand). VCF-style: chr7-93135872-C-T. GRCh37 (hg19) VCF-style: chr7-92765185-C-T.
Other names: c.100G>A, p.Gly34Arg (NM_001303496.3, NM_001303497.3, NM_001303498.3 and 5 more transcripts); c.100G>A (NM_152703.2); short protein forms G34R.
Identifiers: ClinVar variation 871432 (VCV000871432.46), dbSNP rs139244356, ClinGen allele CA4343932.

ClinVar aggregate classification (germline): Uncertain significance. Review status: criteria provided, multiple submitters, no conflicts (2 of 4 stars). 3 submissions from 3 submitters: Uncertain significance (3). Last evaluated 2025-12-17.

Conditions:
Inborn genetic diseases. Identifiers: MedGen C0950123, MeSH D030342.

Allele frequency attached by ClinVar (database versions not stated): ExAC 0.00001; gnomAD 0.00002; gnomAD exomes 0.00002; TOPMed 0.00002; ESP Exome Variant Server 0.00008.
gnomAD v4.1: 29 of 1,613,838 alleles (0.0018%); highest among the groups gnomAD compares: Middle Eastern, 0.016%; no homozygotes.

Submissions (3):

Labcorp Genetics (formerly Invitae), Labcorp
Classification: Uncertain significance. Last evaluated: 2025-12-17. Review status: criteria provided, single submitter. Criteria: Invitae Variant Classification Sherloc (09022015). Collection method: clinical testing. Allele origin: germline.
Comment: This sequence change replaces glycine, which is neutral and non-polar, with arginine, which is basic and polar, at codon 34 of the SAMD9L protein (p.Gly34Arg). This variant is present in population databases (rs139244356, gnomAD 0.004%). This variant has not been reported in the literature in individuals affected with SAMD9L-related conditions. ClinVar contains an entry for this variant (Variation ID: 871432). An algorithm developed to predict the effect of missense changes on protein structure and function outputs the following: PolyPhen-2: "Benign". The arginine amino acid residue is found in multiple mammalian species, which suggests that this missense change does not adversely affect protein function. In summary, the available evidence is currently insufficient to determine the role of this variant in disease. Therefore, it has been classified as a Variant of Uncertain Significance.

Ambry Genetics
Classification: Uncertain significance for Inborn genetic diseases. Last evaluated: 2025-01-11. Review status: criteria provided, single submitter. Criteria: Ambry Variant Classification Scheme 2023. Collection method: clinical testing. Allele origin: germline.
Comment: The p.G34R variant (also known as c.100G>A), located in coding exon 1 of the SAMD9L gene, results from a G to A substitution at nucleotide position 100. The glycine at codon 34 is replaced by arginine, an amino acid with dissimilar properties. This amino acid position is conserved. In addition, this alteration is predicted to be tolerated by in silico analysis. Based on the available evidence, the clinical significance of this variant remains unclear.

CeGaT Center for Human Genetics Tuebingen
Classification: Uncertain significance. Last evaluated: 2019-07-01. Review status: criteria provided, single submitter. Criteria: CeGaT Center For Human Genetics Tuebingen Variant Classification Criteria Version 2. Collection method: clinical testing. Allele origin: germline. Affected: yes. Observed: 1 variant allele.